The following is an entry in ClinVar:

NM_000533.5(PLP1):c.565T>C (p.Phe189Leu)

Genes: PLP1 (proteolipid protein 1; plus strand), RAB9B (RAB9B, member RAS oncogene family; minus strand). Cytogenetic location: Xq22.2.
Variant type: single nucleotide variant.
Coding change: c.565T>C on transcript NM_000533.5 (MANE Select); coding-DNA position 565, T replaced by C.
Protein change: p.Phe189Leu; replaces phenylalanine 189 with leucine.
Molecular consequence: missense variant.
Genome position (GRCh38, 1-based): chrX:103,787,909, T>C. VCF-style: chrX-103787909-T-C. GRCh37 (hg19) VCF-style: chrX-103042838-T-C.
Other names: c.565T>C, p.Phe189Leu (NM_001128834.3); c.400T>C, p.Phe134Leu (NM_001305004.1); c.460T>C, p.Phe154Leu (NM_199478.3); short protein forms F154L, F134L, F189L.
Identifiers: ClinVar variation 1810629 (VCV001810629.1), dbSNP rs2522314962, ClinGen allele CA414103940.

ClinVar aggregate classification (germline): Uncertain significance (1 of 4 stars; one submission).

Allele frequency attached by ClinVar (database versions not stated): gnomAD exomes below 0.00001.
gnomAD v4.1: 2 of 1,210,296 alleles (0.00017%); highest among the groups gnomAD compares: Non-Finnish European, 0.00022%; no homozygotes.

Submission:

GeneDx
Classification: Uncertain significance. Last evaluated: 2022-07-08. Review status: criteria provided, single submitter. Criteria: GeneDx Variant Classification Process June 2021. Collection method: clinical testing. Allele origin: germline. Affected: yes.
Comment: Not observed at significant frequency in large population cohorts (gnomAD); Missense variants in this gene are often considered pathogenic (HGMD); In silico analysis supports that this missense variant does not alter protein structure/function; Has not been previously published as pathogenic or benign to our knowledge